The following is an entry in ClinVar:

ClinVar aggregate classification (germline): Likely benign (0 of 4 stars; one submission).

Conditions:
PCDHA9-related disorder. Also called: PCDHA9-related condition.

Allele frequency attached by ClinVar (database versions not stated): 1000 Genomes Project 30x 0.01015; gnomAD 0.00609; gnomAD exomes 0.00230.
gnomAD v4.1: 4,330 of 1,586,952 alleles (0.27%); highest among the groups gnomAD compares: Middle Eastern, 0.99%; 470 homozygotes.

Submission:

PreventionGenetics, part of Exact Sciences
Classification: Likely benign for PCDHA9-related condition. Last evaluated: 2020-09-25. Review status: no assertion criteria provided. Collection method: clinical testing. Allele origin: germline.
Comment: This variant is classified as likely benign based on ACMG/AMP sequence variant interpretation guidelines (Richards et al. 2015 PMID: 25741868, with internal and published modifications).

NM_031857.2(PCDHA9):c.117C>T (p.Ala39=)

Genes: PCDHA1 (protocadherin alpha 1; plus strand), PCDHA2 (protocadherin alpha 2; plus strand), PCDHA3 (protocadherin alpha 3; plus strand), PCDHA4 (protocadherin alpha 4; plus strand), PCDHA5 (protocadherin alpha 5; plus strand) and 5 more. Cytogenetic location: 5q31.3.
Variant type: single nucleotide variant.
Coding change: c.117C>T on transcript NM_031857.2 (MANE Select); coding-DNA position 117, C replaced by T.
Protein change: p.Ala39=; no amino-acid change (alanine 39 retained).
Molecular consequence: synonymous variant. On other transcripts: intron variant (10).
Genome position (GRCh38, 1-based): chr5:140,848,612, C>T. VCF-style: chr5-140848612-C-T. GRCh37 (hg19) VCF-style: chr5-140228197-C-T.
Other names: c.117C>T, p.Ala39= (NM_014005.5); c.2394+59928C>T (NM_018900.4); c.1602+60720C>T (NM_031411.3); c.2388+51260C>T (NM_018905.3); c.2394+45021C>T (NM_018906.3); c.2385+39040C>T (NM_018907.4); c.2352+24485C>T (NM_018908.3); c.2394+18127C>T (NM_018909.4); and 3 more.
Identifiers: ClinVar variation 3041288 (VCV003041288.2), dbSNP rs141640003, ClinGen allele CA3450135.